The following is an entry in ClinVar:

ClinVar aggregate classification (germline): Uncertain significance (1 of 4 stars; one submission).

Conditions:
Lipodystrophy, partial, acquired, susceptibility to (APLD). Also called: APLD, SUSCEPTIBILITY TO. Identifiers: MedGen C3887501, MONDO:0100476, OMIM 608709.
Progressive myoclonic epilepsy type 9. Identifiers: Orphanet 457265, MedGen C4225289, MONDO:0014685, OMIM 616540.

Allele frequency attached by ClinVar (database versions not stated): gnomAD exomes below 0.00001; gnomAD 0.00001.
gnomAD v4.1: 3 of 1,613,498 alleles (0.00019%); highest among the groups gnomAD compares: East Asian, 0.0045%; no homozygotes.

Submission:

Labcorp Genetics (formerly Invitae), Labcorp
Classification: Uncertain significance for Progressive myoclonic epilepsy type 9; Lipodystrophy, partial, acquired, susceptibility to. Last evaluated: 2022-02-24. Review status: criteria provided, single submitter. Criteria: Invitae Variant Classification Sherloc (09022015). Collection method: clinical testing. Allele origin: germline.
Comment: In summary, the available evidence is currently insufficient to determine the role of this variant in disease. Therefore, it has been classified as a Variant of Uncertain Significance. Algorithms developed to predict the effect of missense changes on protein structure and function (SIFT, PolyPhen-2, Align-GVGD) all suggest that this variant is likely to be disruptive. ClinVar contains an entry for this variant (Variation ID: 944417). This variant has not been reported in the literature in individuals affected with LMNB2-related conditions. This variant is present in population databases (no rsID available, gnomAD 0.006%). This sequence change replaces alanine, which is neutral and non-polar, with glycine, which is neutral and non-polar, at codon 115 of the LMNB2 protein (p.Ala115Gly).

NM_032737.4(LMNB2):c.344C>G (p.Ala115Gly)

Gene: LMNB2 (lamin B2; minus strand). Cytogenetic location: 19p13.3.
Variant type: single nucleotide variant.
Coding change: c.344C>G on transcript NM_032737.4 (MANE Select); coding-DNA position 344, C replaced by G.
Protein change: p.Ala115Gly; replaces alanine 115 with glycine.
Molecular consequence: missense variant.
Genome position (GRCh38, 1-based): chr19:2,444,461, G>C on the plus strand (C>G on the coding strand, the complement: LMNB2 is on the minus strand). VCF-style: chr19-2444461-G-C. GRCh37 (hg19) VCF-style: chr19-2444459-G-C.
Other names: short protein forms A115G.
Identifiers: ClinVar variation 944417 (VCV000944417.9), dbSNP rs1474895568, ClinGen allele CA403259351.